The following is an entry in ClinVar:

ClinVar aggregate classification (germline): Uncertain significance (1 of 4 stars; one submission).

Conditions:
Long QT syndrome (LQTS). Identifiers: MedGen C0023976, MeSH D008133, MONDO:0002442. Disease mechanism: loss of function. Inheritance: Various modes of inheritance.

Submission:

Labcorp Genetics (formerly Invitae), Labcorp
Classification: Uncertain significance for Long QT syndrome. Last evaluated: 2024-05-09. Review status: criteria provided, single submitter. Criteria: Invitae Variant Classification Sherloc (09022015). Collection method: clinical testing. Allele origin: germline.
Comment: This sequence change replaces alanine, which is neutral and non-polar, with threonine, which is neutral and polar, at codon 797 of the KCNH2 protein (p.Ala797Thr). This variant is not present in population databases (gnomAD no frequency). This missense change has been observed in individual(s) with clinical features of KCNH2-related conditions (Invitae). An algorithm developed to predict the effect of missense changes on protein structure and function (PolyPhen-2) suggests that this variant is likely to be disruptive. In summary, the available evidence is currently insufficient to determine the role of this variant in disease. Therefore, it has been classified as a Variant of Uncertain Significance.

NM_000238.4(KCNH2):c.2389G>A (p.Ala797Thr)

Gene: KCNH2 (potassium voltage-gated channel subfamily H member 2; minus strand). Cytogenetic location: 7q36.1.
Variant type: single nucleotide variant.
Coding change: c.2389G>A on transcript NM_000238.4 (MANE Select); coding-DNA position 2389, G replaced by A.
Protein change: p.Ala797Thr; replaces alanine 797 with threonine.
Molecular consequence: missense variant. On other transcripts: non-coding transcript variant (2).
Genome position (GRCh38, 1-based): chr7:150,950,177, C>T on the plus strand (G>A on the coding strand, the complement: KCNH2 is on the minus strand). VCF-style: chr7-150950177-C-T. GRCh37 (hg19) VCF-style: chr7-150647265-C-T.
Other names: c.1369G>A, p.Ala457Thr (NM_001204798.2, NM_172057.3); c.2101G>A, p.Ala701Thr (NM_001406753.1, NM_001406756.1); c.2212G>A, p.Ala738Thr (NM_001406755.1); c.2089G>A, p.Ala697Thr (NM_001406757.1); c.2389G>A, p.Ala797Thr (NM_172056.3); short protein forms A457T, A797T, A701T, A738T, A697T.
Identifiers: ClinVar variation 3651633 (VCV003651633.2).